The following is an entry in ClinVar:

NM_015450.3(POT1):c.1817T>C (p.Phe606Ser)

Gene: POT1 (protection of telomeres 1; minus strand). Cytogenetic location: 7q31.33.
Variant type: single nucleotide variant.
Coding change: c.1817T>C on transcript NM_015450.3 (MANE Select); coding-DNA position 1817, T replaced by C.
Protein change: p.Phe606Ser; replaces phenylalanine 606 with serine.
Molecular consequence: missense variant. On other transcripts: non-coding transcript variant (3).
Genome position (GRCh38, 1-based): chr7:124,824,050, A>G on the plus strand (T>C on the coding strand, the complement: POT1 is on the minus strand). VCF-style: chr7-124824050-A-G. GRCh37 (hg19) VCF-style: chr7-124464104-A-G.
Other names: c.1424T>C, p.Phe475Ser (NM_001042594.2); short protein forms F606S, F475S.
Identifiers: ClinVar variation 1496436 (VCV001496436.8), dbSNP rs1562971847, ClinGen allele CA369061254.

ClinVar aggregate classification (germline): Uncertain significance (1 of 4 stars; one submission).

Conditions:
Tumor predisposition syndrome 3 (TPDS3). Also called: Melanoma, cutaneous malignant, susceptibility to, 10; LONG TELOMERE SYNDROME, POT1-RELATED; POT1 Tumor Predisposition; Glioma susceptibility 9. Identifiers: Orphanet 618, MedGen C4014476, MONDO:0014368, OMIM 615848.

Allele frequency attached by ClinVar (database versions not stated): gnomAD exomes below 0.00001.
gnomAD v4.1: 1 of 1,606,736 alleles (0.000062%); highest among the groups gnomAD compares: Admixed American, 0.0017%; no homozygotes.

Submission:

Labcorp Genetics (formerly Invitae), Labcorp
Classification: Uncertain significance for Tumor predisposition syndrome 3. Last evaluated: 2022-10-05. Review status: criteria provided, single submitter. Criteria: Invitae Variant Classification Sherloc (09022015). Collection method: clinical testing. Allele origin: germline.
Comment: In summary, the available evidence is currently insufficient to determine the role of this variant in disease. Therefore, it has been classified as a Variant of Uncertain Significance. Advanced modeling of protein sequence and biophysical properties (such as structural, functional, and spatial information, amino acid conservation, physicochemical variation, residue mobility, and thermodynamic stability) performed at Invitae indicates that this missense variant is not expected to disrupt POT1 protein function. ClinVar contains an entry for this variant (Variation ID: 1496436). This variant has not been reported in the literature in individuals affected with POT1-related conditions. The frequency data for this variant in the population databases is considered unreliable, as metrics indicate poor data quality at this position in the gnomAD database. This sequence change replaces phenylalanine, which is neutral and non-polar, with serine, which is neutral and polar, at codon 606 of the POT1 protein (p.Phe606Ser).